The following is an entry in ClinVar:

NM_017415.3(KLHL3):c.1546A>G (p.Thr516Ala)

Gene: KLHL3 (kelch like family member 3; minus strand). Cytogenetic location: 5q31.2.
Variant type: single nucleotide variant.
Coding change: c.1546A>G on transcript NM_017415.3 (MANE Select); coding-DNA position 1546, A replaced by G.
Protein change: p.Thr516Ala; replaces threonine 516 with alanine.
Molecular consequence: missense variant.
Genome position (GRCh38, 1-based): chr5:137,628,342, T>C on the plus strand (A>G on the coding strand, the complement: KLHL3 is on the minus strand). VCF-style: chr5-137628342-T-C. GRCh37 (hg19) VCF-style: chr5-136964031-T-C.
Other names: c.1450A>G, p.Thr484Ala (NM_001257194.1); c.1300A>G, p.Thr434Ala (NM_001257195.2); short protein forms T484A, T434A, T516A.
Identifiers: ClinVar variation 2796643 (VCV002796643.4), dbSNP rs2479926070, ClinGen allele CA361045514.

ClinVar aggregate classification (germline): Uncertain significance. Review status: criteria provided, multiple submitters, no conflicts (2 of 4 stars). 2 submissions from 2 submitters: Uncertain significance (2). Last evaluated 2024-06-15.

Conditions:
Pseudohypoaldosteronism type 2D (PHA2D). Also called: FAMILIAL HYPERKALEMIC HYPERTENSION; PSEUDOHYPOALDOSTERONISM, TYPE IID, AUTOSOMAL DOMINANT OR RECESSIVE; Pseudohypoaldosteronism Type IID. Identifiers: Orphanet 300525, Orphanet 757, MedGen C3469605, MONDO:0013781, OMIM 614495.

Allele frequency attached by ClinVar (database versions not stated): gnomAD exomes below 0.00001.
gnomAD v4.1: 1 of 1,614,078 alleles (0.000062%); highest among the groups gnomAD compares: East Asian, 0.0022%; no homozygotes.

Submissions (2):

Fulgent Genetics
Classification: Uncertain significance for Pseudohypoaldosteronism type 2D. Last evaluated: 2024-06-15. Review status: criteria provided, single submitter. Criteria: ACMG Guidelines, 2015. Collection method: clinical testing. Allele origin: germline.

Labcorp Genetics (formerly Invitae), Labcorp
Classification: Uncertain significance. Last evaluated: 2023-12-26. Review status: criteria provided, single submitter. Criteria: Invitae Variant Classification Sherloc (09022015). Collection method: clinical testing. Allele origin: germline.
Comment: This sequence change replaces threonine, which is neutral and polar, with alanine, which is neutral and non-polar, at codon 516 of the KLHL3 protein (p.Thr516Ala). This variant is not present in population databases (gnomAD no frequency). This variant has not been reported in the literature in individuals affected with KLHL3-related conditions. An algorithm developed to predict the effect of missense changes on protein structure and function (PolyPhen-2) suggests that this variant is likely to be tolerated. In summary, the available evidence is currently insufficient to determine the role of this variant in disease. Therefore, it has been classified as a Variant of Uncertain Significance.